The following is an entry in ClinVar:

ClinVar aggregate classification (germline): Uncertain significance. Review status: criteria provided, multiple submitters, no conflicts (2 of 4 stars). 3 submissions from 3 submitters: Uncertain significance (3). Last evaluated 2025-09-03.

Conditions:
Epilepsy, familial focal, with variable foci 1 (FFEVF1). Also called: DEPDC5-Related Epilepsy. Identifiers: MedGen C4551983, MONDO:0024556, OMIM 604364.
Familial focal epilepsy with variable foci (FPEVF). Identifiers: Orphanet 98820, MedGen C1858477, MONDO:0020310.
Inborn genetic diseases. Identifiers: MedGen C0950123, MeSH D030342.

Allele frequency attached by ClinVar (database versions not stated): ExAC 0.00002; gnomAD 0.00003 and 0.00004; gnomAD exomes 0.00003; TOPMed 0.00006; ESP Exome Variant Server 0.00008.
gnomAD v4.1: 66 of 1,614,054 alleles (0.0041%); highest among the groups gnomAD compares: African/African-American, 0.0093%; no homozygotes.

Submissions (3):

Labcorp Genetics (formerly Invitae), Labcorp
Classification: Uncertain significance for Familial focal epilepsy with variable foci. Last evaluated: 2025-09-03. Review status: criteria provided, single submitter. Criteria: Invitae Variant Classification Sherloc (09022015). Collection method: clinical testing. Allele origin: germline.
Comment: This sequence change replaces methionine, which is neutral and non-polar, with valine, which is neutral and non-polar, at codon 793 of the DEPDC5 protein (p.Met793Val). This variant is present in population databases (rs370318709, gnomAD 0.02%). This variant has not been reported in the literature in individuals affected with DEPDC5-related conditions. ClinVar contains an entry for this variant (Variation ID: 653098). Experimental studies and prediction algorithms are not available or were not evaluated, and the functional significance of this variant is currently unknown. In summary, the available evidence is currently insufficient to determine the role of this variant in disease. Therefore, it has been classified as a Variant of Uncertain Significance.

Fulgent Genetics
Classification: Uncertain significance for Epilepsy, familial focal, with variable foci 1. Last evaluated: 2022-05-19. Review status: criteria provided, single submitter. Criteria: ACMG Guidelines, 2015. Collection method: clinical testing. Allele origin: unknown.

Ambry Genetics
Classification: Uncertain significance for Inborn genetic diseases. Last evaluated: 2018-01-19. Review status: criteria provided, single submitter. Criteria: Ambry Variant Classification Scheme 2023. Collection method: clinical testing. Allele origin: germline.
Comment: The p.M793V variant (also known as c.2377A>G), located in coding exon 26 of the DEPDC5 gene, results from an A to G substitution at nucleotide position 2377. The methionine at codon 793 is replaced by valine, an amino acid with highly similar properties. This amino acid position is highly conserved in available vertebrate species. In addition, this alteration is predicted to be tolerated by in silico analysis. Since supporting evidence is limited at this time, the clinical significance of this alteration remains unclear.

NM_001242896.3(DEPDC5):c.2377A>G (p.Met793Val)

Gene: DEPDC5 (DEP domain containing 5, GATOR1 subcomplex subunit; plus strand). Cytogenetic location: 22q12.3.
Variant type: single nucleotide variant.
Coding change: c.2377A>G on transcript NM_001242896.3 (MANE Select); coding-DNA position 2377, A replaced by G.
Protein change: p.Met793Val; replaces methionine 793 with valine.
Molecular consequence: missense variant. On other transcripts: non-coding transcript variant (5).
Genome position (GRCh38, 1-based): chr22:31,838,707, A>G. VCF-style: chr22-31838707-A-G. GRCh37 (hg19) VCF-style: chr22-32234693-A-G.
Other names: c.2350A>G, p.Met784Val (NM_001136029.4, NM_001369903.1, NM_014662.6); c.2143A>G, p.Met715Val (NM_001242897.2, NM_001363854.2, NM_001364319.2); c.2377A>G, p.Met793Val (NM_001363852.2, NM_001364318.2, NM_001364320.2); c.2293A>G, p.Met765Val (NM_001369901.1, NM_001369902.1); short protein forms M765V, M784V, M715V, M793V.
Identifiers: ClinVar variation 653098 (VCV000653098.13), dbSNP rs370318709, ClinGen allele CA10196710.